The following is an entry in ClinVar:

NM_001110556.2(FLNA):c.6394G>A (p.Val2132Met)

Gene: FLNA (filamin A; minus strand). Cytogenetic location: Xq28.
Variant type: single nucleotide variant.
Coding change: c.6394G>A on transcript NM_001110556.2 (MANE Select); coding-DNA position 6394, G replaced by A.
Protein change: p.Val2132Met; replaces valine 2132 with methionine.
Molecular consequence: missense variant.
Genome position (GRCh38, 1-based): chrX:154,352,661, C>T on the plus strand (G>A on the coding strand, the complement: FLNA is on the minus strand). VCF-style: chrX-154352661-C-T. GRCh37 (hg19) VCF-style: chrX-153581029-C-T.
Other names: c.6370G>A, p.Val2124Met (NM_001456.4); short protein forms V2124M, V2132M.
Identifiers: ClinVar variation 435204 (VCV000435204.35), dbSNP rs201396725, ClinGen allele CA10560094.

ClinVar aggregate classification (germline): Conflicting classifications of pathogenicity. Review status: criteria provided, conflicting classifications (1 of 4 stars). 6 submissions from 6 submitters: Uncertain significance (2); Likely benign (4). Last evaluated 2026-04-01.

Conditions:
Familial thoracic aortic aneurysm and aortic dissection (TAAD). Also called: Thoracic aortic aneurysms and dissections. Identifiers: Orphanet 91387, MedGen C4707243, MONDO:0019625.
Oto-palato-digital syndrome, type II (OPD2). Also called: Otopalatodigital Syndrome Type 2 (FLNA-OPD2); OPD II SYNDROME; Otopalatodigital Syndrome, Type II; FACIOPALATOOSSEOUS SYNDROME. Identifiers: Orphanet 669, Orphanet 90652, MedGen C1844696, MONDO:0010571, OMIM 304120.
Heterotopia, periventricular, X-linked dominant (PVNH1). Also called: X-linked periventricular heterotopia; PERIVENTRICULAR NODULAR HETEROTOPIA 1; PERIVENTRICULAR NODULAR HETEROTOPIA 4; HETEROTOPIA, PERIVENTRICULAR, 1. Identifiers: Orphanet 2149, Orphanet 82004, MedGen C1848213, MONDO:0010233, OMIM 300049.
Melnick-Needles syndrome (MNS). Also called: Melnick-Needles Syndrome (FLNA-MNS); OSTEODYSPLASTY OF MELNICK AND NEEDLES; MELNICK-NEEDLES OSTEODYSPLASTY. Identifiers: Orphanet 2484, MedGen C0025237, MONDO:0010650, OMIM 309350.
Frontometaphyseal dysplasia (FMD1). Identifiers: Orphanet 1826, MedGen C0265293, MONDO:0015942.

Allele frequency attached by ClinVar (database versions not stated): gnomAD exomes 0.00007 and 0.00009; TOPMed 0.00009; ExAC 0.00010; ESP Exome Variant Server 0.00020; gnomAD 0.00004 and 0.00005.
gnomAD v4.1: 101 of 1,210,997 alleles (0.0083%); highest among the groups gnomAD compares: Non-Finnish European, 0.011%; no homozygotes.

Submissions (6):

CeGaT Center for Human Genetics Tuebingen
Classification: Likely benign. Last evaluated: 2026-04-01. Review status: criteria provided, single submitter. Criteria: CeGaT Center For Human Genetics Tuebingen Variant Classification Criteria Version 2. Collection method: clinical testing. Allele origin: germline. Affected: yes. Observed: 2 variant alleles.
Comment: FLNA: PP3, BS2

Labcorp Genetics (formerly Invitae), Labcorp
Classification: Likely benign for Oto-palato-digital syndrome, type II; Heterotopia, periventricular, X-linked dominant; Frontometaphyseal dysplasia; Melnick-Needles syndrome. Last evaluated: 2026-01-11. Review status: criteria provided, single submitter. Criteria: Invitae Variant Classification Sherloc (09022015). Collection method: clinical testing. Allele origin: germline.

ARUP Laboratories, Molecular Genetics and Genomics, ARUP Laboratories
Classification: Uncertain significance. Last evaluated: 2024-10-07. Review status: criteria provided, single submitter. Criteria: ARUP Molecular Germline Variant Investigation Process 2024. Collection method: clinical testing. Allele origin: germline.
Comment: The FLNA c.6370G>A p.Val2124Met variant (rs201396725), to our knowledge, is not reported in the medical literature but is reported in ClinVar (Variation ID: 435204). This variant is found in the non-Finnish European population with an allele frequency of 0.015% (14/91,797 alleles) in the Genome Aggregation Database (v2.1.1). Computational analyses predict that this variant is deleterious (REVEL: 0.859). Due to limited information, the clinical significance of this variant is uncertain at this time.

GeneDx
Classification: Likely benign. Last evaluated: 2020-05-15. Review status: criteria provided, single submitter. Criteria: GeneDx Variant Classification Process June 2021. Collection method: clinical testing. Allele origin: germline. Affected: yes.

Ambry Genetics
Classification: Likely benign for Familial thoracic aortic aneurysm and aortic dissection. Last evaluated: 2017-10-04. Review status: criteria provided, single submitter. Criteria: Ambry Variant Classification Scheme 2023. Collection method: clinical testing. Allele origin: germline.

Genetic Services Laboratory, University of Chicago
Classification: Uncertain significance. Last evaluated: 2016-08-16. Review status: criteria provided, single submitter. Criteria: ACMG Guidelines, 2015. Collection method: clinical testing. Allele origin: germline. Affected: no.